The following is an entry in ClinVar:

ClinVar aggregate classification (germline): Conflicting classifications of pathogenicity. Review status: criteria provided, conflicting classifications (1 of 4 stars). 4 submissions from 4 submitters: Uncertain significance (3); Likely benign (1). Last evaluated 2026-01-19.

Conditions:
Malignant hyperthermia, susceptibility to, 5 (MHS5). Also called: CACNA1S-Related Malignant Hyperthermia Susceptibility. Identifiers: Orphanet 423, MedGen C1866077, MONDO:0011163, OMIM 601887.
Congenital myopathy 18. Also called: Myopathy, congenital, due to dihydropyridine receptor defect; DIHYDROPYRIDINE RECEPTOR CONGENITAL MYOPATHY; DHPR CONGENITAL MYOPATHY. Identifiers: MedGen C5830283, MONDO:0859514, OMIM 620246.
Hypokalemic periodic paralysis, type 1. Also called: HypoPP; Hypokalemic Periodic Paralysis Type 1 (AD). Identifiers: Orphanet 681, MedGen C3714580, MONDO:0042979, OMIM 170400.
Thyrotoxic periodic paralysis, susceptibility to, 1 (TTPP1). Identifiers: Orphanet 79102, MedGen C2749982, MONDO:0008570, OMIM 188580.

Allele frequency attached by ClinVar (database versions not stated): gnomAD 0.00004; ExAC 0.00012; 1000 Genomes Project 30x 0.00016; 1000 Genomes Project 0.00020.
gnomAD v4.1: 78 of 1,614,044 alleles (0.0048%); highest among the groups gnomAD compares: East Asian, 0.12%; 1 homozygote.

Submissions (4):

Labcorp Genetics (formerly Invitae), Labcorp
Classification: Likely benign for Hypokalemic periodic paralysis, type 1; Malignant hyperthermia, susceptibility to, 5. Last evaluated: 2026-01-19. Review status: criteria provided, single submitter. Criteria: Invitae Variant Classification Sherloc (09022015). Collection method: clinical testing. Allele origin: germline.

Color Diagnostics, LLC DBA Color Health
Classification: Uncertain significance for Malignant hyperthermia, susceptibility to, 5. Last evaluated: 2025-06-30. Review status: criteria provided, single submitter. Criteria: ACMG Guidelines, 2015. Collection method: clinical testing. Allele origin: germline.
Comment: This missense variant replaces serine with proline at codon 879 of the CACNA1S protein. Computational prediction suggests that this variant may have deleterious impact on protein structure and function. To our knowledge, functional studies have not been reported for this variant. This variant has not been reported in individuals affected with CACNA1S-related disorders in the literature. This variant has been identified in 25/251366 chromosomes in the general population by the Genome Aggregation Database (gnomAD). The available evidence is insufficient to determine the role of this variant in disease conclusively. Therefore, this variant is classified as a Variant of Uncertain Significance.

Fulgent Genetics
Classification: Uncertain significance for Hypokalemic periodic paralysis, type 1; Thyrotoxic periodic paralysis, susceptibility to, 1; Malignant hyperthermia, susceptibility to, 5; Congenital myopathy 18. Last evaluated: 2024-06-13. Review status: criteria provided, single submitter. Criteria: ACMG Guidelines, 2015. Collection method: clinical testing. Allele origin: germline.

All of Us Research Program, National Institutes of Health
Classification: Uncertain significance for Malignant hyperthermia, susceptibility to, 5. Last evaluated: 2023-10-27. Review status: criteria provided, single submitter. Criteria: ACMG Guidelines, 2015. Collection method: clinical testing. Allele origin: germline. Inheritance: Autosomal dominant inheritance. Observed: 5 variant alleles, 5 heterozygotes.
Comment: This missense variant replaces serine with proline at codon 879 of the CACNA1S protein. Computational prediction suggests that this variant may have deleterious impact on protein structure and function (internally defined REVEL score threshold >= 0.7, PMID: 27666373). To our knowledge, functional studies have not been reported for this variant. This variant has not been reported in individuals affected with CACNA1S-related disorders in the literature. This variant has been identified in 25/251366 chromosomes in the general population by the Genome Aggregation Database (gnomAD). The available evidence is insufficient to determine the role of this variant in disease conclusively. Therefore, this variant is classified as a Variant of Uncertain Significance.

This study involves interpretation of variants in research participants for the purpose of population health screening. Participant phenotype was not available at the time of variant classification. Additional details can be found in publication PMID: 35346344, PMCID: PMC8962531

NM_000069.3(CACNA1S):c.2635T>C (p.Ser879Pro)

Gene: CACNA1S (calcium voltage-gated channel subunit alpha1 S; minus strand). Cytogenetic location: 1q32.1.
Variant type: single nucleotide variant.
Coding change: c.2635T>C on transcript NM_000069.3 (MANE Select); coding-DNA position 2635, T replaced by C.
Protein change: p.Ser879Pro; replaces serine 879 with proline.
Molecular consequence: missense variant.
Genome position (GRCh38, 1-based): chr1:201,066,909, A>G on the plus strand (T>C on the coding strand, the complement: CACNA1S is on the minus strand). VCF-style: chr1-201066909-A-G. GRCh37 (hg19) VCF-style: chr1-201036037-A-G.
Other names: short protein forms S879P.
Identifiers: ClinVar variation 2193972 (VCV002193972.7), dbSNP rs573597311, ClinGen allele CA079149.